The following is an entry in ClinVar:

ClinVar aggregate classification (germline): Benign (1 of 4 stars; one submission).

Conditions:
Pheochromocytoma. Also called: MAX-Related Hereditary Paraganglioma-Pheochromocytoma Syndrome. Identifiers: Orphanet 29072, MedGen C0031511, MONDO:0008233, OMIM 171300, HP:0002666.

Allele frequency attached by ClinVar (database versions not stated): gnomAD 0.00002 and 0.00003; gnomAD exomes 0.00007 and 0.00010; ExAC 0.00009.
gnomAD v4.1: 103 of 1,612,386 alleles (0.0064%); highest among the groups gnomAD compares: South Asian, 0.069%; no homozygotes.

Submission:

Illumina Laboratory Services, Illumina
Classification: Benign for Pheochromocytoma. Last evaluated: 2018-01-13. Review status: criteria provided, single submitter. Criteria: ICSL Variant Classification Criteria 13 December 2019. Collection method: clinical testing. Allele origin: germline.
Comment: This variant was observed in the ICSL laboratory as part of a predisposition screen in an ostensibly healthy population. It had not been previously curated by ICSL or reported in the Human Gene Mutation Database (HGMD: prior to June 1st, 2018), and was therefore a candidate for classification through an automated scoring system. Utilizing variant allele frequency, disease prevalence and penetrance estimates, and inheritance mode, an automated score was calculated to assess if this variant is too frequent to cause the disease. Based on the score and internal cut-off values, a variant classified as benign is not then subjected to further curation. The score for this variant resulted in a classification of benign for this disease.

NM_002382.5(MAX):c.-30C>G

Genes: MAX (MYC associated transcriptional regulator X; minus strand), LOC130055850 (ATAC-STARR-seq lymphoblastoid silent region 5847; plus strand). Cytogenetic location: 14q23.3.
Variant type: single nucleotide variant.
Coding change: c.-30C>G on transcript NM_002382.5 (MANE Select); 30 bases upstream of the start codon, C replaced by G.
Molecular consequence: 5 prime UTR variant.
Genome position (GRCh38, 1-based): chr14:65,102,369, G>C on the plus strand (C>G on the coding strand, the complement: MAX is on the minus strand). VCF-style: chr14-65102369-G-C. GRCh37 (hg19) VCF-style: chr14-65569087-G-C.
Other names: c.-30C>G (NM_001271068.2, NM_001271069.2, NM_145112.3 and 3 more transcripts); c.-304C>G (NM_001320415.2).
Identifiers: ClinVar variation 313821 (VCV000313821.5), dbSNP rs755465193, ClinGen allele CA7233046.